The following is an entry in ClinVar:

ClinVar aggregate classification (germline): Uncertain significance (1 of 4 stars; one submission).

Conditions:
Combined immunodeficiency due to LRBA deficiency. Also called: Common variable immunodeficiency 8, with autoimmunity. Identifiers: Orphanet 445018, MedGen C3553512, MONDO:0013863, OMIM 614700.

Submission:

Labcorp Genetics (formerly Invitae), Labcorp
Classification: Uncertain significance for Common variable immunodeficiency 8, with autoimmunity. Last evaluated: 2019-12-17. Review status: criteria provided, single submitter. Criteria: Invitae Variant Classification Sherloc (09022015). Collection method: clinical testing. Allele origin: germline.
Comment: This sequence change replaces proline with serine at codon 1126 of the LRBA protein (p.Pro1126Ser). The proline residue is weakly conserved and there is a moderate physicochemical difference between proline and serine. This variant is not present in population databases (ExAC no frequency). This variant has not been reported in the literature in individuals with LRBA-related conditions. Algorithms developed to predict the effect of missense changes on protein structure and function output the following: SIFT: "Tolerated"; PolyPhen-2: "Benign"; Align-GVGD: "Class C0". The serine amino acid residue is found in multiple mammalian species, suggesting that this missense change does not adversely affect protein function. These predictions have not been confirmed by published functional studies and their clinical significance is uncertain. In summary, the available evidence is currently insufficient to determine the role of this variant in disease. Therefore, it has been classified as a Variant of Uncertain Significance.

NM_001364905.1(LRBA):c.3376C>T (p.Pro1126Ser)

Gene: LRBA (LPS responsive beige-like anchor protein; minus strand). Cytogenetic location: 4q31.3.
Variant type: single nucleotide variant.
Coding change: c.3376C>T on transcript NM_001364905.1 (MANE Select); coding-DNA position 3376, C replaced by T.
Protein change: p.Pro1126Ser; replaces proline 1126 with serine.
Molecular consequence: missense variant.
Genome position (GRCh38, 1-based): chr4:150,852,334, G>A on the plus strand (C>T on the coding strand, the complement: LRBA is on the minus strand). VCF-style: chr4-150852334-G-A. GRCh37 (hg19) VCF-style: chr4-151773486-G-A.
Other names: c.3376C>T, p.Pro1126Ser (NM_001199282.3, NM_001367550.1, NM_006726.5); short protein forms P1126S.
Identifiers: ClinVar variation 859622 (VCV000859622.1), dbSNP rs1750712579, ClinGen allele CA358458484.